The following is an entry in ClinVar:

ClinVar aggregate classification (germline): Benign/Likely benign. Review status: criteria provided, multiple submitters, no conflicts (2 of 4 stars). 8 submissions from 8 submitters: Benign (1); Likely benign (5). 2 of the submissions do not count toward it. Last evaluated 2026-08-06.

Conditions:
PARN-related disorder. Also called: PARN-related condition; PARN-related disorders.
Dyskeratosis congenita, autosomal recessive 6 (DKCB6). Identifiers: MedGen C4225356, MONDO:0014600, OMIM 616353.
Pulmonary fibrosis and/or bone marrow failure, Telomere-related, 4. Also called: PULMONARY FIBROSIS AND/OR BONE MARROW FAILURE SYNDROME, TELOMERE-RELATED, 4. Identifiers: Orphanet 2032, MedGen C4225347, MONDO:0014612, OMIM 616371.

Allele frequency attached by ClinVar (database versions not stated): 1000 Genomes Project 0.00020; 1000 Genomes Project 30x 0.00031; TOPMed 0.00057; gnomAD 0.00070 and 0.00073; gnomAD exomes 0.00083 and 0.00098; ESP Exome Variant Server 0.00093; ExAC 0.00131.
gnomAD v4.1: 1,289 of 1,601,662 alleles (0.08%); highest among the groups gnomAD compares: Non-Finnish European, 0.09%; no homozygotes.

Submissions (8):

PreventionGenetics, part of Exact Sciences
Classification: Likely benign for PARN-related condition. Last evaluated: 2026-08-06. Review status: criteria provided, single submitter. Criteria: ACMG Guidelines, 2015. Collection method: clinical testing. Allele origin: germline.
Comment: This variant is classified as likely benign based on ACMG/AMP sequence variant interpretation guidelines (Richards et al. 2015 PMID: 25741868, with internal and published modifications).

Labcorp Genetics (formerly Invitae), Labcorp
Classification: Benign for Dyskeratosis congenita, autosomal recessive 6; Pulmonary fibrosis and/or bone marrow failure, Telomere-related, 4. Last evaluated: 2026-01-12. Review status: criteria provided, single submitter. Criteria: Invitae Variant Classification Sherloc (09022015). Collection method: clinical testing. Allele origin: germline.

Blueprint Genetics
Classification: Likely benign. Last evaluated: 2024-10-14. Review status: criteria provided, single submitter. Criteria: ACMG Guidelines, 2015. Collection method: clinical testing. Allele origin: germline.

CeGaT Center for Human Genetics Tuebingen
Classification: Likely benign. Last evaluated: 2024-10-01. Review status: criteria provided, single submitter. Criteria: CeGaT Center For Human Genetics Tuebingen Variant Classification Criteria Version 2. Collection method: clinical testing. Allele origin: germline. Affected: yes. Observed: 3 variant alleles.
Comment: PARN: BP4, BP7

Genetic Services Laboratory, University of Chicago
Classification: Likely benign. Last evaluated: 2020-04-22. Review status: criteria provided, single submitter. Criteria: ACMG Guidelines, 2015. Collection method: clinical testing. Allele origin: germline. Affected: no.

Breakthrough Genomics
Classification: Likely benign. Review status: criteria provided, single submitter. Criteria: ACMG Guidelines, 2015. Collection method: not provided. Allele origin: germline. Inheritance: Autosomal recessive inheritance. Affected: yes.

Clinical Genetics DNA and cytogenetics Diagnostics Lab, Erasmus MC, Erasmus Medical Center
Classification: Likely benign. Review status: no assertion criteria provided. Collection method: clinical testing. Allele origin: germline. Affected: yes. Study: VKGL Data-share Consensus. Not counted in ClinVar's aggregate classification.

Genome Diagnostics Laboratory, University Medical Center Utrecht
Classification: Likely benign. Review status: no assertion criteria provided. Collection method: clinical testing. Allele origin: germline. Affected: yes. Study: VKGL Data-share Consensus. Not counted in ClinVar's aggregate classification.

NM_002582.4(PARN):c.825C>T (p.His275=)

Gene: PARN (poly(A)-specific ribonuclease; minus strand). Cytogenetic location: 16p13.12.
Variant type: single nucleotide variant.
Coding change: c.825C>T on transcript NM_002582.4 (MANE Select); coding-DNA position 825, C replaced by T.
Protein change: p.His275=; no amino-acid change (histidine 275 retained).
Molecular consequence: synonymous variant.
Genome position (GRCh38, 1-based): chr16:14,599,919, G>A on the plus strand (C>T on the coding strand, the complement: PARN is on the minus strand). VCF-style: chr16-14599919-G-A. GRCh37 (hg19) VCF-style: chr16-14693776-G-A.
Other names: c.642C>T, p.His214= (NM_001134477.3); c.687C>T, p.His229= (NM_001242992.2).
Identifiers: ClinVar variation 714584 (VCV000714584.43), dbSNP rs374114285, ClinGen allele CA7912281.